The following is an entry in ClinVar:

ClinVar aggregate classification (germline): Likely pathogenic (1 of 4 stars; one submission).

Conditions:
Becker muscular dystrophy, Cardiomyopathy, Duchenne muscular dystrophy, Dystrophin deficiency.

Submission:

Natera, Inc.
Classification: Likely pathogenic for Becker muscular dystrophy, Cardiomyopathy, Duchenne muscular dystrophy, Dystrophin deficiency. Last evaluated: 2024-11-19. Review status: criteria provided, single submitter. Criteria: Natera Variant Classification Schema (03/2026). Collection method: clinical testing. Allele origin: germline.
Comment: The c.5879del variant in DMD is a frameshift variant predicted to shift the reading frame beginning at codon 1960 and leads to a stop codon 23 codons downstream. This variant is expected to result in nonsense mediated decay, truncation, or a dysfunctional protein product. This variant is rare in the general population with a frequency below the threshold expected for the associated phenotype(s). Given the available evidence, this variant is classified as Likely Pathogenic.

NM_004006.3(DMD):c.5879del (p.Glu1960fs)

Gene: DMD (dystrophin; minus strand). Cytogenetic location: Xp21.1.
Variant type: Deletion.
Coding change: c.5879del on transcript NM_004006.3 (MANE Select); coding-DNA position 5879, one base deleted (A; older notation c.5879delA).
Protein change: p.Glu1960fs; shifts the reading frame from glutamic acid 1960.
Molecular consequence: frameshift variant.
Genome position (GRCh38, 1-based): chrX:32,342,143, T deleted on the plus strand (A on the coding strand, the reverse complement: DMD is on the minus strand). VCF-style (leftmost placement, unchanged base first): chrX-32342142-CT-C. GRCh37 (hg19) VCF-style: chrX-32360259-CT-C.
Other names: c.5855del, p.Glu1952fs (NM_000109.4); c.5879delA, p.Glu1960Glyfs (NM_004006.2); c.5867del, p.Glu1956fs (NM_004009.3); c.5510del, p.Glu1837fs (NM_004010.3); c.1856del, p.Glu619fs (NM_004011.4); c.1847del, p.Glu616fs (NM_004012.4); short protein forms E1837fs, E1952fs, E1956fs, E1960fs, E616fs, E619fs.
Identifiers: ClinVar variation 4815315 (VCV004815315.1).